The following is an entry in ClinVar:

ClinVar aggregate classification (germline): Likely pathogenic (1 of 4 stars; one submission).

Conditions:
Dilated cardiomyopathy 1G (CMD1G). Identifiers: Orphanet 154, MedGen C1858763, MONDO:0011400, OMIM 604145.
Autosomal recessive limb-girdle muscular dystrophy type 2J (LGMDR10). Also called: Limb-girdle muscular dystrophy, type 2J; MUSCULAR DYSTROPHY, LIMB-GIRDLE, AUTOSOMAL RECESSIVE 10. Identifiers: Orphanet 140922, MedGen C1837342, MONDO:0012127, OMIM 608807.

Submission:

Labcorp Genetics (formerly Invitae), Labcorp
Classification: Likely pathogenic for Dilated cardiomyopathy 1G; Autosomal recessive limb-girdle muscular dystrophy type 2J. Last evaluated: 2025-08-24. Review status: criteria provided, single submitter. Criteria: Invitae Variant Classification Sherloc (09022015). Collection method: clinical testing. Allele origin: germline.
Comment: This sequence change creates a premature translational stop signal (p.His33253Argfs*8) in the TTN gene. While this is not anticipated to result in nonsense mediated decay, it is expected to create a truncated TTN protein. This variant is not present in population databases (gnomAD no frequency). This variant has not been reported in the literature in individuals affected with TTN-related conditions. This variant is located in the A band of TTN (PMID: 25589632). Truncating variants in this region are significantly overrepresented in patients affected with dilated cardiomyopathy (PMID: 25589632). Truncating variants in this region have also been reported in individuals affected with autosomal recessive centronuclear myopathy (PMID: 23975875). In summary, the currently available evidence indicates that the variant is pathogenic, but additional data are needed to prove that conclusively. Therefore, this variant has been classified as Likely Pathogenic.

Literature cited by the submitters: PubMed 25589632; PubMed 23975875.

NM_001267550.2(TTN):c.99758_99762del (p.His33253fs)

Genes: TTN (titin; minus strand), TTN-AS1 (TTN antisense RNA 1; plus strand), LOC126806420 (BRD4-independent group 4 enhancer GRCh37_chr2:179401104-179402303; plus strand). Cytogenetic location: 2q31.2.
Variant type: Deletion.
Coding change: c.99758_99762del on transcript NM_001267550.2 (MANE Select); coding-DNA positions 99758 to 99762, 5 bases deleted (ATCTT; older notation c.99758_99762delATCTT).
Protein change: p.His33253fs; shifts the reading frame from histidine 33253.
Molecular consequence: frameshift variant. On other transcripts: non-coding transcript variant (1).
Genome position (GRCh38, 1-based): chr2:178,537,445-178,537,449, AAGAT deleted on the plus strand (ATCTT on the coding strand, the reverse complement: TTN is on the minus strand). VCF-style (leftmost placement, unchanged base first): chr2-178537444-CAAGAT-C. GRCh37 (hg19) VCF-style: chr2-179402171-CAAGAT-C.
Other names: c.94835_94839del, p.His31612fs (NM_001256850.1); c.72563_72567del, p.His24188fs (NM_003319.4); c.92054_92058del, p.His30685fs (NM_133378.4); c.72938_72942del, p.His24313fs (NM_133432.3); c.73139_73143del, p.His24380fs (NM_133437.4); short protein forms H33253fs, H24313fs, H24380fs, H30685fs, H24188fs, H31612fs.
Identifiers: ClinVar variation 4784474 (VCV004784474.1).
Genomic context (GRCh38, chr2:178,537,444, plus strand): 5'-CATTGCTGAGCTGGACTTTGTATTTCCCAGCATGAGTCTTACGTTGGACATTCTTCATGA[CAAGAT>C]GAGTATAGTGCTCAGTGTTTTCAATAGTAATGTTTTCTGAGTTTTGCAAAAGTTTCTGAC-3'